The following is an entry in ClinVar:

NM_014915.3(ANKRD26):c.1802_1803del (p.Lys601fs)

Gene: ANKRD26 (ankyrin repeat domain 26; minus strand). Cytogenetic location: 10p12.1.
Variant type: Deletion.
Coding change: c.1802_1803del on transcript NM_014915.3 (MANE Select); coding-DNA positions 1802 to 1803, 2 bases deleted (AA; older notation c.1802_1803delAA).
Protein change: p.Lys601fs; shifts the reading frame from lysine 601.
Molecular consequence: frameshift variant.
Genome position (GRCh38, 1-based): chr10:27,048,812-27,048,813, TT deleted on the plus strand (AA on the coding strand, the reverse complement: ANKRD26 is on the minus strand); deleting any 2 consecutive bases within chr10:27,048,812-27,048,814 gives the same sequence; the c. name uses the placement nearest the transcript's 3' end. VCF-style (leftmost placement, unchanged base first): chr10-27048811-CTT-C. GRCh37 (hg19) VCF-style: chr10-27337740-CTT-C.
Other names: c.1802_1803del, p.Lys601fs (NM_001256053.2); short protein forms K601fs.
Identifiers: ClinVar variation 2767083 (VCV002767083.3), dbSNP rs781558318, ClinGen allele CA5448409.

ClinVar aggregate classification (germline): Uncertain significance (1 of 4 stars; one submission).

Submission:

Labcorp Genetics (formerly Invitae), Labcorp
Classification: Uncertain significance. Last evaluated: 2023-06-04. Review status: criteria provided, single submitter. Criteria: Invitae Variant Classification Sherloc (09022015). Collection method: clinical testing. Allele origin: germline.
Comment: This sequence change creates a premature translational stop signal (p.Lys601Argfs*4) in the ANKRD26 gene. It is expected to result in an absent or disrupted protein product. However, the current clinical and genetic evidence is not sufficient to establish whether loss-of-function variants in ANKRD26 cause disease. This variant is present in population databases (rs781558318, gnomAD 0.003%). This variant has not been reported in the literature in individuals affected with ANKRD26-related conditions. In summary, the available evidence is currently insufficient to determine the role of this variant in disease. Therefore, it has been classified as a Variant of Uncertain Significance.